The following is an entry in ClinVar:

NM_001378452.1(ITPR1):c.536G>A (p.Gly179Asp)

Gene: ITPR1 (inositol 1,4,5-trisphosphate receptor type 1; plus strand). Cytogenetic location: 3p26.1.
Variant type: single nucleotide variant.
Coding change: c.536G>A on transcript NM_001378452.1 (MANE Select); coding-DNA position 536, G replaced by A.
Protein change: p.Gly179Asp; replaces glycine 179 with aspartic acid.
Molecular consequence: missense variant.
Genome position (GRCh38, 1-based): chr3:4,644,146, G>A. VCF-style: chr3-4644146-G-A. GRCh37 (hg19) VCF-style: chr3-4685830-G-A.
Other names: c.536G>A, p.Gly179Asp (NM_001099952.4, NM_001168272.2, NM_002222.7); short protein forms G179D.
Identifiers: ClinVar variation 5018194 (VCV005018194.1).

ClinVar aggregate classification (germline): Uncertain significance (1 of 4 stars; one submission).

Submission:

GeneDx
Classification: Uncertain significance. Last evaluated: 2026-04-03. Review status: criteria provided, single submitter. Criteria: GeneDx Variant Classification Process June 2021. Collection method: clinical testing. Allele origin: germline.
Comment: Not observed at significant frequency in large population cohorts (gnomAD); In silico analysis supports that this missense variant has a deleterious effect on protein structure/function; Has not been previously published as pathogenic or benign to our knowledge